The following is an entry in ClinVar:

NM_014314.4(RIGI):c.1099_1103del (p.Thr367fs)

Gene: RIGI (RNA sensor RIG-I; minus strand). Cytogenetic location: 9p21.1.
Variant type: Deletion.
Coding change: c.1099_1103del on transcript NM_014314.4 (MANE Select); coding-DNA positions 1099 to 1103, 5 bases deleted (ACTTT; older notation c.1099_1103delACTTT).
Protein change: p.Thr367fs; shifts the reading frame from threonine 367.
Molecular consequence: frameshift variant.
Genome position (GRCh38, 1-based): chr9:32,488,054-32,488,058, AAAGT deleted on the plus strand (ACTTT on the coding strand, the reverse complement: RIGI is on the minus strand); deleting any 5 consecutive bases within chr9:32,488,054-32,488,062 gives the same sequence; the c. name uses the placement nearest the transcript's 3' end. VCF-style (leftmost placement, unchanged base first): chr9-32488053-CAAAGT-C. GRCh37 (hg19) VCF-style: chr9-32488051-CAAAGT-C.
Other names: c.1093_1097del, p.Thr365fs (NM_001385907.1); c.1099_1103del, p.Thr367fs (NM_001385909.1); c.658_662del, p.Thr220fs (NM_001385910.1); c.490_494del, p.Thr164fs (NM_001385912.1); c.1084_1088del, p.Thr362fs (NM_001385913.1); c.655_659del, p.Thr219fs (NM_001385914.1); short protein forms T164fs, T219fs, T365fs, T220fs, T362fs, T367fs.
Identifiers: ClinVar variation 3645128 (VCV003645128.2).

ClinVar aggregate classification (germline): Uncertain significance (1 of 4 stars; one submission).

Submission:

Labcorp Genetics (formerly Invitae), Labcorp
Classification: Uncertain significance. Last evaluated: 2025-03-19. Review status: criteria provided, single submitter. Criteria: Invitae Variant Classification Sherloc (09022015). Collection method: clinical testing. Allele origin: germline.
Comment: This sequence change creates a premature translational stop signal (p.Thr367Aspfs*4) in the DDX58 gene. It is expected to result in an absent or disrupted protein product. However, the current clinical and genetic evidence is not sufficient to establish whether loss-of-function variants in DDX58 cause disease. This variant is present in population databases (no rsID available, gnomAD 0.0009%). This variant has not been reported in the literature in individuals affected with DDX58-related conditions. In summary, the available evidence is currently insufficient to determine the role of this variant in disease. Therefore, it has been classified as a Variant of Uncertain Significance.